The following is an entry in ClinVar:

ClinVar aggregate classification (germline): Uncertain significance. Review status: criteria provided, multiple submitters, no conflicts (2 of 4 stars). 2 submissions from 2 submitters: Uncertain significance (2). Last evaluated 2024-04-15.

Conditions:
Hereditary cancer-predisposing syndrome. Also called: Neoplastic Syndromes, Hereditary; Hereditary Cancer Syndrome; Tumor predisposition; Hereditary neoplastic syndrome. Identifiers: Orphanet 140162, MedGen C0027672, MeSH D009386, MONDO:0015356.
Neuroblastoma, susceptibility to, 3. Also called: ALK-Related Neuroblastic Tumor Susceptibility. Identifiers: Orphanet 635, MedGen C2751681, MONDO:0013083, OMIM 613014.

Allele frequency attached by ClinVar (database versions not stated): gnomAD exomes below 0.00001; gnomAD 0.00001; 1000 Genomes Project 30x 0.00016; 1000 Genomes Project 0.00020.
gnomAD v4.1: 2 of 1,609,276 alleles (0.00012%); highest among the groups gnomAD compares: East Asian, 0.0022%; no homozygotes.

Submissions (2):

Labcorp Genetics (formerly Invitae), Labcorp
Classification: Uncertain significance for Neuroblastoma, susceptibility to, 3. Last evaluated: 2024-04-15. Review status: criteria provided, single submitter. Criteria: Invitae Variant Classification Sherloc (09022015). Collection method: clinical testing. Allele origin: germline.
Comment: This sequence change replaces glycine, which is neutral and non-polar, with glutamic acid, which is acidic and polar, at codon 1420 of the ALK protein (p.Gly1420Glu). This variant is not present in population databases (gnomAD no frequency). This variant has not been reported in the literature in individuals affected with ALK-related conditions. ClinVar contains an entry for this variant (Variation ID: 582253). An algorithm developed to predict the effect of missense changes on protein structure and function (PolyPhen-2) suggests that this variant is likely to be tolerated. In summary, the available evidence is currently insufficient to determine the role of this variant in disease. Therefore, it has been classified as a Variant of Uncertain Significance.

Ambry Genetics
Classification: Uncertain significance for Hereditary cancer-predisposing syndrome. Last evaluated: 2022-06-10. Review status: criteria provided, single submitter. Criteria: Ambry Variant Classification Scheme 2023. Collection method: clinical testing. Allele origin: germline.
Comment: The p.G1420E variant (also known as c.4259G>A), located in coding exon 29 of the ALK gene, results from a G to A substitution at nucleotide position 4259. The glycine at codon 1420 is replaced by glutamic acid, an amino acid with similar properties. This amino acid position is conserved. In addition, this alteration is predicted to be tolerated by in silico analysis. Since supporting evidence is limited at this time, the clinical significance of this alteration remains unclear.

NM_004304.5(ALK):c.4259G>A (p.Gly1420Glu)

Gene: ALK (ALK receptor tyrosine kinase; minus strand). Cytogenetic location: 2p23.2.
Variant type: single nucleotide variant.
Coding change: c.4259G>A on transcript NM_004304.5 (MANE Select); coding-DNA position 4259, G replaced by A.
Protein change: p.Gly1420Glu; replaces glycine 1420 with glutamic acid.
Molecular consequence: missense variant.
Genome position (GRCh38, 1-based): chr2:29,193,828, C>T on the plus strand (G>A on the coding strand, the complement: ALK is on the minus strand). VCF-style: chr2-29193828-C-T. GRCh37 (hg19) VCF-style: chr2-29416694-C-T.
Other names: c.1055G>A, p.Gly352Glu (NM_001353765.2); short protein forms G1420E, G352E.
Identifiers: ClinVar variation 582253 (VCV000582253.11), dbSNP rs200470125, ClinGen allele CA44635192.
Genomic context (GRCh38, chr2:29,193,828, plus strand): 5'-GCAGCTGGGCTGCGCTCCTCCTCCCGTTTTGCCTGTTGAGAGACCAGGAGAGGAGGAACC[C>T]CCTCAGGGTCCTTGGGCCTCACAGGCACTTTCTCTTCCTCTTCCACAAGTGGACCATATT-3'
Protein context (NP_004295.2, residues 1410-1430): KVPVRPKDPE[Gly1420Glu]VPPLLVSQQA